The following is an entry in ClinVar:

NM_001165963.4(SCN1A):c.5003del (p.Pro1668fs)

Genes: SCN1A (sodium voltage-gated channel alpha subunit 1; minus strand), LOC102724058 (uncharacterized LOC102724058; plus strand). Cytogenetic location: 2q24.3.
Variant type: Deletion.
Coding change: c.5003del on transcript NM_001165963.4 (MANE Select); coding-DNA position 5003, one base deleted (C; older notation c.5003delC).
Protein change: p.Pro1668fs; shifts the reading frame from proline 1668.
Molecular consequence: frameshift variant. On other transcripts: non-coding transcript variant (1).
Genome position (GRCh38, 1-based): chr2:165,992,272, G deleted on the plus strand (C on the coding strand, the reverse complement: SCN1A is on the minus strand); the first of 2 consecutive G bases (chr2:165,992,272-165,992,273); deleting either gives the same sequence. VCF-style (leftmost placement, unchanged base first): chr2-165992271-AG-A. GRCh37 (hg19) VCF-style: chr2-166848781-AG-A.
Other names: c.4919del, p.Pro1640fs (NM_001165964.3, NM_001353957.2, NM_001353958.2); c.5003del, p.Pro1668fs (NM_001202435.3, NM_001353948.2); c.4970del, p.Pro1657fs (NM_001353949.2, NM_001353950.2, NM_001353951.2 and 2 more transcripts); c.4967del, p.Pro1656fs (NM_001353954.2, NM_001353955.2); c.4916del, p.Pro1639fs (NM_001353960.2); c.2561del, p.Pro854fs (NM_001353961.2); short protein forms P854fs, P1639fs, P1656fs, P1668fs, P1640fs, P1657fs.
Identifiers: ClinVar variation 189919 (VCV000189919.1), dbSNP rs794726758, ClinGen allele CA303305.

ClinVar aggregate classification (germline): Pathogenic (1 of 4 stars; one submission).

Conditions:
Severe myoclonic epilepsy in infancy (DRVT). Also called: Epileptic encephalopathy, early infantile, 6 (Dravet syndrome); SEVERE MYOCLONIC EPILEPSY OF INFANCY; DEVELOPMENTAL AND EPILEPTIC ENCEPHALOPATHY 6A; Severe Myoclonic Epilepsy in Infancy (SMEI); Dravet syndrome. Identifiers: Orphanet 33069, MedGen C0751122, MONDO:0100135, OMIM 607208.

Submission:

Center for Bioinformatics, Peking University
Classification: Pathogenic for Dravet syndrome. Last evaluated: 2014-12-20. Review status: criteria provided, single submitter. Criteria: Xu et al. (Hum Mutat. 2015). Collection method: research. Allele origin: de novo. Affected: yes. Observed: 1 variant allele. Study: University Clinical Cooperation “985 Project” PKU-2014-1-1.
Comment: Dravet syndrome (DS) probands were recruited from the outpatient and inpatient child neurology units of Peking University First Hospital from 2005 till present. The study was approved by the Ethics Committee of Peking University First Hospital and the Institutional Review Board at Peking University. Participants or their parents provided written informed consent before enrollment. We collected a total of 267 mutations from 255 families with probands diagnosed with DS in China. All probands fulfilled the clinical diagnostic criteria.